The following is an entry in ClinVar:

ClinVar aggregate classification (germline): Uncertain significance. Review status: criteria provided, multiple submitters, no conflicts (2 of 4 stars). 2 submissions from 2 submitters: Uncertain significance (2). Last evaluated 2025-10-31.

Conditions:
Tuberous sclerosis 2 (TSC2). Identifiers: Orphanet 805, MedGen C1860707, MONDO:0013199, OMIM 613254.
Hereditary cancer-predisposing syndrome. Also called: Neoplastic Syndromes, Hereditary; Hereditary Cancer Syndrome; Hereditary neoplastic syndrome; Tumor predisposition. Identifiers: Orphanet 140162, MedGen C0027672, MeSH D009386, MONDO:0015356.

Submissions (2):

Ambry Genetics
Classification: Uncertain significance for Hereditary cancer-predisposing syndrome. Last evaluated: 2025-10-31. Review status: criteria provided, single submitter. Criteria: Ambry Variant Classification Scheme 2023. Collection method: clinical testing. Allele origin: germline.
Comment: The p.H1611Y variant (also known as c.4831C>T), located in coding exon 36 of the TSC2 gene, results from a C to T substitution at nucleotide position 4831. The histidine at codon 1611 is replaced by tyrosine, an amino acid with similar properties. This amino acid position is highly conserved in available vertebrate species. In addition, this alteration is predicted to be deleterious by in silico analysis. Based on the available evidence, the clinical significance of this variant remains unclear.

Labcorp Genetics (formerly Invitae), Labcorp
Classification: Uncertain significance for Tuberous sclerosis 2. Last evaluated: 2023-12-29. Review status: criteria provided, single submitter. Criteria: Invitae Variant Classification Sherloc (09022015). Collection method: clinical testing. Allele origin: germline.
Comment: This sequence change replaces histidine, which is basic and polar, with tyrosine, which is neutral and polar, at codon 1611 of the TSC2 protein (p.His1611Tyr). This variant is not present in population databases (gnomAD no frequency). This variant has not been reported in the literature in individuals affected with TSC2-related conditions. ClinVar contains an entry for this variant (Variation ID: 644759). Advanced modeling of protein sequence and biophysical properties (such as structural, functional, and spatial information, amino acid conservation, physicochemical variation, residue mobility, and thermodynamic stability) performed at Invitae indicates that this missense variant is not expected to disrupt TSC2 protein function with a negative predictive value of 95%. In summary, the available evidence is currently insufficient to determine the role of this variant in disease. Therefore, it has been classified as a Variant of Uncertain Significance.

NM_000548.5(TSC2):c.4831C>T (p.His1611Tyr)

Gene: TSC2 (TSC complex subunit 2; plus strand). Cytogenetic location: 16p13.3.
Variant type: single nucleotide variant.
Coding change: c.4831C>T on transcript NM_000548.5 (MANE Select); coding-DNA position 4831, C replaced by T.
Protein change: p.His1611Tyr; replaces histidine 1611 with tyrosine.
Molecular consequence: missense variant.
Genome position (GRCh38, 1-based): chr16:2,086,361, C>T. VCF-style: chr16-2086361-C-T. GRCh37 (hg19) VCF-style: chr16-2136362-C-T.
Other names: c.4630C>T, p.His1544Tyr (NM_001077183.3); c.4762C>T, p.His1588Tyr (NM_001114382.3); c.4522C>T, p.His1508Tyr (NM_001318827.2); c.4486C>T, p.His1496Tyr (NM_001318829.2); c.4099C>T, p.His1367Tyr (NM_001318831.2); c.4663C>T, p.His1555Tyr (NM_001318832.2); c.4633C>T, p.His1545Tyr (NM_001363528.2); c.4699C>T, p.His1567Tyr (NM_001370404.1); and 1 more; short protein forms H1544Y, H1555Y, H1508Y, H1567Y, H1588Y, H1367Y, H1545Y, H1568Y.
Identifiers: ClinVar variation 644759 (VCV000644759.9), dbSNP rs1596439600, ClinGen allele CA394308119.